The following is an entry in ClinVar:

NM_001197104.2(KMT2A):c.11903G>A (p.Arg3968Gln)

Genes: KMT2A (lysine methyltransferase 2A; plus strand), TTC36-AS1 (TTC36 and KMT2A antisense RNA 1; minus strand). Cytogenetic location: 11q23.3.
Variant type: single nucleotide variant.
Coding change: c.11903G>A on transcript NM_001197104.2 (MANE Select); coding-DNA position 11903, G replaced by A.
Protein change: p.Arg3968Gln; replaces arginine 3968 with glutamine.
Molecular consequence: missense variant.
Genome position (GRCh38, 1-based): chr11:118,522,156, G>A. VCF-style: chr11-118522156-G-A. GRCh37 (hg19) VCF-style: chr11-118392871-G-A.
Other names: c.11894G>A, p.Arg3965Gln (NM_005933.4); short protein forms R3968Q, R3965Q.
Identifiers: ClinVar variation 1407382 (VCV001407382.6), dbSNP rs369182428, ClinGen allele CA6305035.
Genomic context (GRCh38, chr11:118,522,156, plus strand): 5'-AGTTCCCCATTGAGGATGCCAGCAACAAGCTGCCCTGCAACTGTGGCGCCAAGAAATGCC[G>A]GAAGTTCCTAAACTAAAGCTGCTCTTCTCCCCCAGTGTTGGAGTGCAAGGAGGCGGGGCC-3'
Protein context (NP_001184033.1, residues 3958-3972): LPCNCGAKKC[Arg3968Gln]KFLN

ClinVar aggregate classification (germline): Uncertain significance (1 of 4 stars; one submission).

Allele frequency attached by ClinVar (database versions not stated): ExAC 0.00002; gnomAD exomes 0.00002; TOPMed 0.00002; gnomAD 0.00003; ESP Exome Variant Server 0.00008.
gnomAD v4.1: 38 of 1,613,942 alleles (0.0024%); highest among the groups gnomAD compares: Non-Finnish European, 0.0031%; no homozygotes.

Submission:

Labcorp Genetics (formerly Invitae), Labcorp
Classification: Uncertain significance. Last evaluated: 2024-10-29. Review status: criteria provided, single submitter. Criteria: Invitae Variant Classification Sherloc (09022015). Collection method: clinical testing. Allele origin: germline.
Comment: This sequence change replaces arginine, which is basic and polar, with glutamine, which is neutral and polar, at codon 3968 of the KMT2A protein (p.Arg3968Gln). This variant is present in population databases (rs369182428, gnomAD 0.004%). This variant has not been reported in the literature in individuals affected with KMT2A-related conditions. ClinVar contains an entry for this variant (Variation ID: 1407382). Invitae Evidence Modeling of protein sequence and biophysical properties (such as structural, functional, and spatial information, amino acid conservation, physicochemical variation, residue mobility, and thermodynamic stability) has been performed for this missense variant. However, the output from this modeling did not meet the statistical confidence thresholds required to predict the impact of this variant on KMT2A protein function. In summary, the available evidence is currently insufficient to determine the role of this variant in disease. Therefore, it has been classified as a Variant of Uncertain Significance.